The following is an entry in ClinVar:

NM_002691.4(POLD1):c.2807A>C (p.Tyr936Ser)

Gene: POLD1 (DNA polymerase delta 1, catalytic subunit; plus strand). Cytogenetic location: 19q13.33.
Variant type: single nucleotide variant.
Coding change: c.2807A>C on transcript NM_002691.4 (MANE Select); coding-DNA position 2807, A replaced by C.
Protein change: p.Tyr936Ser; replaces tyrosine 936 with serine.
Molecular consequence: missense variant.
Genome position (GRCh38, 1-based): chr19:50,415,813, A>C. VCF-style: chr19-50415813-A-C. GRCh37 (hg19) VCF-style: chr19-50919070-A-C.
Other names: c.2885A>C, p.Tyr962Ser (LRG_785t2, NM_001308632.1); c.2807A>C, p.Tyr936Ser (LRG_785t1, NM_001256849.1); c.2807A>C (NM_002691.2); short protein forms Y962S, Y936S.
Identifiers: ClinVar variation 569400 (VCV000569400.11), dbSNP rs1568638877, ClinGen allele CA406986084.

ClinVar aggregate classification (germline): Uncertain significance. Review status: criteria provided, multiple submitters, no conflicts (2 of 4 stars). 2 submissions from 2 submitters: Uncertain significance (2). Last evaluated 2025-08-07.

Conditions:
Hereditary cancer-predisposing syndrome. Also called: Tumor predisposition; Neoplastic Syndromes, Hereditary; Hereditary Cancer Syndrome; Hereditary neoplastic syndrome. Identifiers: Orphanet 140162, MedGen C0027672, MeSH D009386, MONDO:0015356.
POLD1-related polyposis and colorectal cancer syndrome (CRCS10). Also called: Colorectal cancer 10; COLORECTAL CANCER, SUSCEPTIBILITY TO, ON CHROMOSOME 19q; Colorectal cancer, susceptibility to, 10. Identifiers: Orphanet 220460, MedGen C2675481, MONDO:0012953, OMIM 612591.

Submissions (2):

Labcorp Genetics (formerly Invitae), Labcorp
Classification: Uncertain significance for POLD1-related polyposis and colorectal cancer syndrome. Last evaluated: 2025-08-07. Review status: criteria provided, single submitter. Criteria: Invitae Variant Classification Sherloc (09022015). Collection method: clinical testing. Allele origin: germline.
Comment: This sequence change replaces tyrosine, which is neutral and polar, with serine, which is neutral and polar, at codon 936 of the POLD1 protein (p.Tyr936Ser). This variant is not present in population databases (gnomAD no frequency). This variant has not been reported in the literature in individuals affected with POLD1-related conditions. ClinVar contains an entry for this variant (Variation ID: 569400). Invitae Evidence Modeling of protein sequence and biophysical properties (such as structural, functional, and spatial information, amino acid conservation, physicochemical variation, residue mobility, and thermodynamic stability) indicates that this missense variant is not expected to disrupt POLD1 protein function with a negative predictive value of 80%. In summary, the available evidence is currently insufficient to determine the role of this variant in disease. Therefore, it has been classified as a Variant of Uncertain Significance.

Ambry Genetics
Classification: Uncertain significance for Hereditary cancer-predisposing syndrome. Last evaluated: 2025-08-01. Review status: criteria provided, single submitter. Criteria: Ambry Variant Classification Scheme 2023. Collection method: clinical testing. Allele origin: germline.
Comment: The p.Y936S variant (also known as c.2807A>C), located in coding exon 21 of the POLD1 gene, results from an A to C substitution at nucleotide position 2807. The tyrosine at codon 936 is replaced by serine, an amino acid with dissimilar properties. This amino acid position is conserved. In addition, the in silico prediction for this alteration is inconclusive. Since supporting evidence is limited at this time, the clinical significance of this alteration remains unclear.